The following is an entry in ClinVar:

ClinVar aggregate classification (germline): Likely pathogenic (1 of 4 stars; one submission).

Conditions:
Cardiac anomalies - developmental delay - facial dysmorphism syndrome (MRFACD). Also called: Impaired intellectual development and distinctive facial features with or without cardiac defects; MED13L Syndrome. Identifiers: Orphanet 369891, MedGen C5192431, MONDO:0014773, OMIM 616789.

Submission:

3billion
Classification: Likely pathogenic for Cardiac anomalies - developmental delay - facial dysmorphism syndrome. Last evaluated: 2025-11-06. Review status: criteria provided, single submitter. Criteria: ACMG Guidelines, 2015. Collection method: clinical testing. Allele origin: germline. Affected: yes.
Comment: The variant is not observed in the gnomAD v4.1.0 dataset. Predicted Consequence/Location: Frameshift: predicted to result in a loss or disruption of normal protein function through nonsense-mediated decay (NMD) or protein truncation. Multiple pathogenic variants are reported downstream of the variant. Therefore, this variant is classified as Likely pathogenic according to the recommendation of ACMG/AMP guideline.

NM_015335.5(MED13L):c.6272del (p.Lys2091fs)

Gene: MED13L (mediator complex subunit 13L; minus strand). Cytogenetic location: 12q24.21.
Variant type: Deletion.
Coding change: c.6272del on transcript NM_015335.5 (MANE Select); coding-DNA position 6272, one base deleted (A; older notation c.6272delA).
Protein change: p.Lys2091fs; shifts the reading frame from lysine 2091.
Molecular consequence: frameshift variant.
Genome position (GRCh38, 1-based): chr12:115,966,197, T deleted on the plus strand (A on the coding strand, the reverse complement: MED13L is on the minus strand); the first of 3 consecutive T bases (chr12:115,966,197-115,966,199); deleting any one gives the same sequence. VCF-style (leftmost placement, unchanged base first): chr12-115966196-CT-C. GRCh37 (hg19) VCF-style: chr12-116404001-CT-C.
Other names: short protein forms K2091fs.
Identifiers: ClinVar variation 4855444 (VCV004855444.1).